The following is an entry in ClinVar:

ClinVar aggregate classification (germline): Uncertain significance. Review status: criteria provided, multiple submitters, no conflicts (2 of 4 stars). 2 submissions from 2 submitters: Uncertain significance (2). Last evaluated 2024-02-29.

Conditions:
Hereditary cancer-predisposing syndrome. Also called: Neoplastic Syndromes, Hereditary; Tumor predisposition; Hereditary neoplastic syndrome; Hereditary Cancer Syndrome. Identifiers: Orphanet 140162, MedGen C0027672, MeSH D009386, MONDO:0015356.
Bloom syndrome (BLM). Also called: Bloom-Torre-Machacek syndrome. Identifiers: Orphanet 125, MedGen C0005859, MONDO:0008876, OMIM 210900.

Allele frequency attached by ClinVar (database versions not stated): gnomAD exomes below 0.00001 and 0.00001; ExAC 0.00002.
gnomAD v4.1: 3 of 1,614,120 alleles (0.00019%); highest among the groups gnomAD compares: Non-Finnish European, 0.00025%; no homozygotes.

Submissions (2):

Labcorp Genetics (formerly Invitae), Labcorp
Classification: Uncertain significance for Bloom syndrome. Last evaluated: 2024-02-29. Review status: criteria provided, single submitter. Criteria: Invitae Variant Classification Sherloc (09022015). Collection method: clinical testing. Allele origin: germline.
Comment: This sequence change replaces phenylalanine, which is neutral and non-polar, with leucine, which is neutral and non-polar, at codon 487 of the BLM protein (p.Phe487Leu). This variant is present in population databases (rs765565919, gnomAD 0.002%). This variant has not been reported in the literature in individuals affected with BLM-related conditions. ClinVar contains an entry for this variant (Variation ID: 1355768). Advanced modeling of protein sequence and biophysical properties (such as structural, functional, and spatial information, amino acid conservation, physicochemical variation, residue mobility, and thermodynamic stability) performed at Invitae indicates that this missense variant is not expected to disrupt BLM protein function with a negative predictive value of 80%. In summary, the available evidence is currently insufficient to determine the role of this variant in disease. Therefore, it has been classified as a Variant of Uncertain Significance.

Ambry Genetics
Classification: Uncertain significance for Hereditary cancer-predisposing syndrome. Last evaluated: 2023-12-08. Review status: criteria provided, single submitter. Criteria: Ambry Variant Classification Scheme 2023. Collection method: clinical testing. Allele origin: germline.
Comment: The p.F487L variant (also known as c.1459T>C), located in coding exon 6 of the BLM gene, results from a T to C substitution at nucleotide position 1459. The phenylalanine at codon 487 is replaced by leucine, an amino acid with highly similar properties. This amino acid position is conserved. In addition, this alteration is predicted to be tolerated by in silico analysis. Since supporting evidence is limited at this time, the clinical significance of this alteration remains unclear.

NM_000057.4(BLM):c.1459T>C (p.Phe487Leu)

Gene: BLM (BLM RecQ like helicase; plus strand). Cytogenetic location: 15q26.1.
Variant type: single nucleotide variant.
Coding change: c.1459T>C on transcript NM_000057.4 (MANE Select); coding-DNA position 1459, T replaced by C.
Protein change: p.Phe487Leu; replaces phenylalanine 487 with leucine.
Molecular consequence: missense variant.
Genome position (GRCh38, 1-based): chr15:90,760,832, T>C. VCF-style: chr15-90760832-T-C. GRCh37 (hg19) VCF-style: chr15-91304062-T-C.
Other names: c.1459T>C (NM_000057.2); c.1459T>C, p.Phe487Leu (NM_001287246.2, NM_001287247.2); c.334T>C, p.Phe112Leu (NM_001287248.2); short protein forms F112L, F487L.
Identifiers: ClinVar variation 1355768 (VCV001355768.8), dbSNP rs765565919, ClinGen allele CA7738537.